The following is an entry in ClinVar:

ClinVar aggregate classification (germline): Uncertain significance (1 of 4 stars; one submission).

Conditions:
Cardiovascular phenotype. Identifiers: MedGen CN230736.

gnomAD v4.1: 4 of 1,613,918 alleles (0.00025%); highest among the groups gnomAD compares: South Asian, 0.0011%; no homozygotes.

Submission:

Ambry Genetics
Classification: Uncertain significance for Cardiovascular phenotype. Last evaluated: 2026-01-21. Review status: criteria provided, single submitter. Criteria: Ambry Variant Classification Scheme 2023. Collection method: clinical testing. Allele origin: germline.
Comment: The p.D484G variant (also known as c.1451A>G), located in coding exon 10 of the ABCG8 gene, results from an A to G substitution at nucleotide position 1451. The aspartic acid at codon 484 is replaced by glycine, an amino acid with similar properties. This amino acid position is conserved. In addition, the in silico prediction for this alteration is inconclusive. Based on the available evidence, the clinical significance of this variant remains unclear.

NM_022437.3(ABCG8):c.1451A>G (p.Asp484Gly)

Gene: ABCG8 (ATP binding cassette subfamily G member 8; plus strand). Cytogenetic location: 2p21.
Variant type: single nucleotide variant.
Coding change: c.1451A>G on transcript NM_022437.3 (MANE Select); coding-DNA position 1451, A replaced by G.
Protein change: p.Asp484Gly; replaces aspartic acid 484 with glycine.
Molecular consequence: missense variant.
Genome position (GRCh38, 1-based): chr2:43,874,446, A>G. VCF-style: chr2-43874446-A-G. GRCh37 (hg19) VCF-style: chr2-44101585-A-G.
Other names: c.1448A>G, p.Asp483Gly (NM_001357321.2); short protein forms D483G, D484G.
Identifiers: ClinVar variation 4824217 (VCV004824217.1).